The following is an entry in ClinVar:

NC_000005.9:g.(?_155756587)_(156184735_?)del

Gene: SGCD (sarcoglycan delta; plus strand). Cytogenetic location: 5q33.3.
Variant type: Deletion.
Identifiers: ClinVar variation 2422920 (VCV002422920.2).

ClinVar aggregate classification (germline): Pathogenic (1 of 4 stars; one submission).

Conditions:
Autosomal recessive limb-girdle muscular dystrophy type 2F (LGMDR6). Also called: Muscular dystrophy limb-girdle with delta-sarcoglyan deficiency; MUSCULAR DYSTROPHY, LIMB-GIRDLE, AUTOSOMAL RECESSIVE 6. Identifiers: Orphanet 219, MedGen C1832525, MONDO:0011028, OMIM 601287. Disease mechanism: Affects gamma-sarcoglycan and also disrupts the integrity of the entire sarcoglycan complex..

Submission:

Labcorp Genetics (formerly Invitae), Labcorp
Classification: Pathogenic for Autosomal recessive limb-girdle muscular dystrophy type 2F. Last evaluated: 2022-09-01. Review status: criteria provided, single submitter. Criteria: Invitae Variant Classification Sherloc (09022015). Collection method: clinical testing. Allele origin: germline.
Comment: For these reasons, this variant has been classified as Pathogenic. This variant has not been reported in the literature in individuals affected with SGCD-related conditions. This variant is a gross deletion of the genomic region encompassing exon(s) 2-8 of the SGCD gene, which includes the initiator codon. This deletion extends beyond the assayed region for this gene and therefore may encompass additional genes. It is expected to result in an absent or disrupted protein product. Loss-of-function variants in SGCD are known to be pathogenic (PMID: 8841194, 10735275, 10838250).

Literature cited by the submitters: PubMed 8841194; PubMed 10735275; PubMed 10838250.